The following is an entry in ClinVar:

ClinVar aggregate classification (germline): Uncertain significance (1 of 4 stars; one submission).

Conditions:
Neurofibromatosis, type 1 (NF1). Also called: VON RECKLINGHAUSEN DISEASE; NEUROFIBROMATOSIS, TYPE I, SOMATIC; Peripheral type neurofibromatosis; Neurofibromatosis, type I. Identifiers: Orphanet 636, MedGen C0027831, MONDO:0018975, OMIM 162200. Disease mechanism: loss of function.

gnomAD v4.1: 2 of 1,614,080 alleles (0.00012%); highest among the groups gnomAD compares: Non-Finnish European, 0.00017%; no homozygotes.

Submission:

Labcorp Genetics (formerly Invitae), Labcorp
Classification: Uncertain significance for Neurofibromatosis, type 1. Last evaluated: 2023-05-23. Review status: criteria provided, single submitter. Criteria: Invitae Variant Classification Sherloc (09022015). Collection method: clinical testing. Allele origin: germline.
Comment: In summary, the available evidence is currently insufficient to determine the role of this variant in disease. Therefore, it has been classified as a Variant of Uncertain Significance. Advanced modeling of protein sequence and biophysical properties (such as structural, functional, and spatial information, amino acid conservation, physicochemical variation, residue mobility, and thermodynamic stability) performed at Invitae indicates that this missense variant is expected to disrupt NF1 protein function. ClinVar contains an entry for this variant (Variation ID: 527510). This variant has not been reported in the literature in individuals affected with NF1-related conditions. This variant is not present in population databases (gnomAD no frequency). This sequence change replaces phenylalanine, which is neutral and non-polar, with leucine, which is neutral and non-polar, at codon 2083 of the NF1 protein (p.Phe2083Leu).

NM_001042492.3(NF1):c.6312C>G (p.Phe2104Leu)

Gene: NF1 (neurofibromin 1; plus strand). Cytogenetic location: 17q11.2.
Variant type: single nucleotide variant.
Coding change: c.6312C>G on transcript NM_001042492.3 (MANE Select); coding-DNA position 6312, C replaced by G.
Protein change: p.Phe2104Leu; replaces phenylalanine 2104 with leucine.
Molecular consequence: missense variant.
Genome position (GRCh38, 1-based): chr17:31,336,799, C>G. VCF-style: chr17-31336799-C-G. GRCh37 (hg19) VCF-style: chr17-29663817-C-G.
Other names: c.6249C>G, p.Phe2083Leu (NM_000267.4); short protein forms F2083L, F2104L.
Identifiers: ClinVar variation 527510 (VCV000527510.5), dbSNP rs780728198, ClinGen allele CA399012667.